The following is an entry in ClinVar:

ClinVar aggregate classification (germline): Likely benign (1 of 4 stars; one submission).

Allele frequency attached by ClinVar (database versions not stated): ExAC 0.00002; TOPMed 0.00003; gnomAD 0.00005; ESP Exome Variant Server 0.00008.
gnomAD v4.1: 38 of 1,613,656 alleles (0.0024%); highest among the groups gnomAD compares: East Asian, 0.013%; no homozygotes.

Submission:

CeGaT Center for Human Genetics Tuebingen
Classification: Likely benign. Last evaluated: 2023-12-01. Review status: criteria provided, single submitter. Criteria: CeGaT Center For Human Genetics Tuebingen Variant Classification Criteria Version 2. Collection method: clinical testing. Allele origin: germline. Affected: yes. Observed: 1 variant allele.
Comment: CAMK2G: BP4

NM_001367534.1(CAMK2G):c.1135G>A (p.Ala379Thr)

Gene: CAMK2G (calcium/calmodulin dependent protein kinase II gamma; minus strand). Cytogenetic location: 10q22.2.
Variant type: single nucleotide variant.
Coding change: c.1135G>A on transcript NM_001367534.1 (MANE Select); coding-DNA position 1135, G replaced by A.
Protein change: p.Ala379Thr; replaces alanine 379 with threonine.
Molecular consequence: missense variant. On other transcripts: non-coding transcript variant (5), intron variant (21).
Genome position (GRCh38, 1-based): chr10:73,825,299, C>T on the plus strand (G>A on the coding strand, the complement: CAMK2G is on the minus strand). VCF-style: chr10-73825299-C-T. GRCh37 (hg19) VCF-style: chr10-75585057-C-T.
Other names: c.1039G>A, p.Ala347Thr (NM_001367535.1, NM_172170.5, NM_172171.3 and 4 more transcripts); c.1135G>A, p.Ala379Thr (NM_001367536.1, NM_001367543.1); c.793G>A, p.Ala265Thr (NM_001367539.1); c.349G>A, p.Ala117Thr (NM_001367542.1); c.1102G>A, p.Ala368Thr (NM_001367544.1, NM_001204492.2, NM_001367521.1); c.1066G>A, p.Ala356Thr (NM_001367547.1); c.1015G>A, p.Ala339Thr (NM_001367514.1, NM_001367525.1, NM_001367532.1); c.1072G>A, p.Ala358Thr (NM_001367531.1); and 9 more; short protein forms A117T, A265T, A339T, A347T, A356T, A358T, A368T, A379T.
Identifiers: ClinVar variation 3025623 (VCV003025623.22), dbSNP rs371217848, ClinGen allele CA5561838.
Genomic context (GRCh38, chr10:73,825,299, plus strand): 5'-AGCCAGGGTCAGAGGCGGAGAAGCTGTAGTCAGGAGGTACCATGGCCGTCTGCAAGGGCG[C>T]GGGCTCTTGGGCTGGGCTTACGAGACTGTTTTTGTTGTTGCTCTGTGGCTGAGACAAGAA-3'
Protein context (NP_001354463.1, residues 369-389): NSLVSPAQEP[Ala379Thr]PLQTAMEPQT